The following is an entry in ClinVar:

NM_020401.4(NUP107):c.519T>C (p.Leu173=)

Gene: NUP107 (nucleoporin 107; plus strand). Cytogenetic location: 12q15.
Variant type: single nucleotide variant.
Coding change: c.519T>C on transcript NM_020401.4 (MANE Select); coding-DNA position 519, T replaced by C.
Protein change: p.Leu173=; no amino-acid change (leucine 173 retained).
Molecular consequence: synonymous variant.
Genome position (GRCh38, 1-based): chr12:68,696,889, T>C. VCF-style: chr12-68696889-T-C. GRCh37 (hg19) VCF-style: chr12-69090669-T-C.
Other names: c.432T>C, p.Leu144= (NM_001330192.2).
Identifiers: ClinVar variation 747319 (VCV000747319.10), dbSNP rs149960020, ClinGen allele CA6677462.

ClinVar aggregate classification (germline): Benign/Likely benign. Review status: criteria provided, multiple submitters, no conflicts (2 of 4 stars). 2 submissions from 2 submitters: Benign (1); Likely benign (1). Last evaluated 2026-05-01.

Allele frequency attached by ClinVar (database versions not stated): gnomAD exomes 0.00013 and 0.00038; ExAC 0.00043; gnomAD 0.00150 and 0.00158; 1000 Genomes Project 30x 0.00156; 1000 Genomes Project 0.00160; TOPMed 0.00185; ESP Exome Variant Server 0.00208.
gnomAD v4.1: 426 of 1,610,172 alleles (0.026%); highest among the groups gnomAD compares: African/African-American, 0.5%; no homozygotes.

Submissions (2):

CeGaT Center for Human Genetics Tuebingen
Classification: Likely benign. Last evaluated: 2026-05-01. Review status: criteria provided, single submitter. Criteria: CeGaT Center For Human Genetics Tuebingen Variant Classification Criteria Version 2. Collection method: clinical testing. Allele origin: germline. Affected: yes. Observed: 1 variant allele.
Comment: NUP107: BP4, BP7

Labcorp Genetics (formerly Invitae), Labcorp
Classification: Benign. Last evaluated: 2026-01-04. Review status: criteria provided, single submitter. Criteria: Invitae Variant Classification Sherloc (09022015). Collection method: clinical testing. Allele origin: germline.